The following is an entry in ClinVar:

ClinVar aggregate classification (germline): Conflicting classifications of pathogenicity. Review status: criteria provided, conflicting classifications (1 of 4 stars). 8 submissions from 8 submitters: Uncertain significance (6); Likely benign (1). 1 of the submissions does not count toward it. Last evaluated 2025-06-04.

Conditions:
Glycogen storage disease, type II (IOPD). Also called: GLYCOGENOSIS, GENERALIZED, CARDIAC FORM; GSD II; Glycogen storage disease type 2; Acid maltase deficiency disease; Aglucosidase alfa; Deficiency of alpha-glucosidase. Identifiers: Orphanet 365, MedGen C0017921, MONDO:0009290, OMIM 232300.

Allele frequency attached by ClinVar (database versions not stated): gnomAD 0.00001 and 0.00002; TOPMed 0.00002; gnomAD exomes 0.00003 and 0.00004; ExAC 0.00005.
gnomAD v4.1: 47 of 1,610,530 alleles (0.0029%); highest among the groups gnomAD compares: Middle Eastern, 0.017%; no homozygotes.

Submissions (8):

Revvity Omics, Revvity
Classification: Uncertain significance. Last evaluated: 2025-06-04. Review status: criteria provided, single submitter. Criteria: ACMG Guidelines, 2015. Collection method: clinical testing. Allele origin: germline.

Blueprint Genetics
Classification: Likely benign. Last evaluated: 2024-09-18. Review status: criteria provided, single submitter. Criteria: ACMG Guidelines, 2015. Collection method: clinical testing. Allele origin: germline.

Labcorp Genetics (formerly Invitae), Labcorp
Classification: Uncertain significance for Glycogen storage disease, type II. Last evaluated: 2022-05-27. Review status: criteria provided, single submitter. Criteria: Invitae Variant Classification Sherloc (09022015). Collection method: clinical testing. Allele origin: germline.
Comment: This sequence change replaces proline, which is neutral and non-polar, with leucine, which is neutral and non-polar, at codon 205 of the GAA protein (p.Pro205Leu). This variant is present in population databases (rs775065551, gnomAD 0.008%). This variant has not been reported in the literature in individuals affected with GAA-related conditions. ClinVar contains an entry for this variant (Variation ID: 287137). Advanced modeling of protein sequence and biophysical properties (such as structural, functional, and spatial information, amino acid conservation, physicochemical variation, residue mobility, and thermodynamic stability) performed at Invitae indicates that this missense variant is not expected to disrupt GAA protein function. In summary, the available evidence is currently insufficient to determine the role of this variant in disease. Therefore, it has been classified as a Variant of Uncertain Significance.

Genome-Nilou Lab
Classification: Uncertain significance for Glycogen storage disease, type II. Last evaluated: 2021-09-05. Review status: criteria provided, single submitter. Criteria: ACMG Guidelines, 2015. Collection method: clinical testing. Allele origin: germline. Affected: no.

Fulgent Genetics
Classification: Uncertain significance for Glycogen storage disease, type II. Last evaluated: 2021-07-28. Review status: criteria provided, single submitter. Criteria: ACMG Guidelines, 2015. Collection method: clinical testing. Allele origin: unknown.

Illumina Laboratory Services, Illumina
Classification: Uncertain significance for Glycogen storage disease, type II. Last evaluated: 2017-04-27. Review status: criteria provided, single submitter. Criteria: ICSL Variant Classification Criteria 13 December 2019. Collection method: clinical testing. Allele origin: germline.

Eurofins Ntd Llc (ga)
Classification: Uncertain significance. Last evaluated: 2016-03-29. Review status: criteria provided, single submitter. Criteria: EGL Classification Definitions 2015. Collection method: clinical testing. Allele origin: germline. Observed: 1 variant allele, 1 heterozygote.

Natera, Inc.
Classification: Uncertain significance for Glycogen storage disease type II. Last evaluated: 2020-09-11. Review status: no assertion criteria provided. Collection method: clinical testing. Allele origin: germline. Not counted in ClinVar's aggregate classification.

NM_000152.5(GAA):c.614C>T (p.Pro205Leu)

Gene: GAA (alpha glucosidase; plus strand). Cytogenetic location: 17q25.3.
Variant type: single nucleotide variant.
Coding change: c.614C>T on transcript NM_000152.5 (MANE Select); coding-DNA position 614, C replaced by T.
Protein change: p.Pro205Leu; replaces proline 205 with leucine.
Molecular consequence: missense variant.
Genome position (GRCh38, 1-based): chr17:80,105,816, C>T. VCF-style: chr17-80105816-C-T. GRCh37 (hg19) VCF-style: chr17-78079615-C-T.
Other names: c.614C>T (LRG_673t1); c.614C>T, p.Pro205Leu (NM_001079803.3, NM_001079804.3); short protein forms P205L.
Identifiers: ClinVar variation 287137 (VCV000287137.20), dbSNP rs775065551, ClinGen allele CA8814943.
Genomic context (GRCh38, chr17:80,105,816, plus strand): 5'-ATCCAGCTAACAGGCGCTACGAGGTGCCCTTGGAGACCCCGCATGTCCACAGCCGGGCAC[C>T]GTCCCCACTCTACAGCGTGGAGTTCTCCGAGGAGCCCTTCGGGGTGATCGTGCGCCGGCA-3'
Protein context (NP_000143.2, residues 195-215): LETPHVHSRA[Pro205Leu]SPLYSVEFSE